The following is an entry in ClinVar:

ClinVar aggregate classification (germline): Likely benign. Review status: criteria provided, multiple submitters, no conflicts (2 of 4 stars). 4 submissions from 4 submitters: Likely benign (4). Last evaluated 2025-10-18.

Conditions:
Hereditary cancer-predisposing syndrome. Also called: Hereditary Cancer Syndrome; Tumor predisposition; Neoplastic Syndromes, Hereditary; Hereditary neoplastic syndrome. Identifiers: Orphanet 140162, MedGen C0027672, MeSH D009386, MONDO:0015356.
Multiple endocrine neoplasia, type 2 (MEN2). Identifiers: Orphanet 653, MedGen C4048306, MONDO:0019003. Disease mechanism: gain of function.

Allele frequency attached by ClinVar (database versions not stated): gnomAD exomes below 0.00001.
gnomAD v4.1: 1 of 1,614,170 alleles (0.000062%); highest among the groups gnomAD compares: Non-Finnish European, 0.000085%; no homozygotes.

Submissions (4):

Labcorp Genetics (formerly Invitae), Labcorp
Classification: Likely benign for Multiple endocrine neoplasia, type 2. Last evaluated: 2025-10-18. Review status: criteria provided, single submitter. Criteria: Invitae Variant Classification Sherloc (09022015). Collection method: clinical testing. Allele origin: germline.

All of Us Research Program, National Institutes of Health
Classification: Likely benign for Multiple endocrine neoplasia, type 2. Last evaluated: 2024-03-14. Review status: criteria provided, single submitter. Criteria: ACMG Guidelines, 2015. Collection method: clinical testing. Allele origin: germline. Inheritance: Autosomal dominant inheritance. Observed: 1 variant allele, 1 heterozygote.
Comment: This study involves interpretation of variants in research participants for the purpose of population health screening. Participant phenotype was not available at the time of variant classification. Additional details can be found in publication PMID: 35346344, PMCID: PMC8962531

Color Diagnostics, LLC DBA Color Health
Classification: Likely benign for Multiple endocrine neoplasia, type 2. Last evaluated: 2024-02-28. Review status: criteria provided, single submitter. Criteria: ACMG Guidelines, 2015. Collection method: clinical testing. Allele origin: germline.

Ambry Genetics
Classification: Likely benign for Hereditary cancer-predisposing syndrome. Last evaluated: 2021-11-23. Review status: criteria provided, single submitter. Criteria: Ambry Variant Classification Scheme 2023. Collection method: clinical testing. Allele origin: germline.

NM_020975.6(RET):c.3321A>G (p.Lys1107=)

Gene: RET (ret proto-oncogene; plus strand). Cytogenetic location: 10q11.21.
Variant type: single nucleotide variant.
Coding change: c.3321A>G on transcript NM_020975.6 (MANE Select); coding-DNA position 3321, A replaced by G.
Protein change: p.Lys1107=; no amino-acid change (lysine 1107 retained).
Molecular consequence: synonymous variant.
Genome position (GRCh38, 1-based): chr10:43,128,245, A>G. VCF-style: chr10-43128245-A-G. GRCh37 (hg19) VCF-style: chr10-43623693-A-G.
Identifiers: ClinVar variation 704393 (VCV000704393.15), dbSNP rs1588881974, ClinGen allele CA469033913.